The following is an entry in ClinVar:

NM_023110.3(FGFR1):c.142G>A (p.Gly48Ser)

Gene: FGFR1 (fibroblast growth factor receptor 1; minus strand). Cytogenetic location: 8p11.23.
Variant type: single nucleotide variant.
Coding change: c.142G>A on transcript NM_023110.3 (MANE Select); coding-DNA position 142, G replaced by A.
Protein change: p.Gly48Ser; replaces glycine 48 with serine.
Molecular consequence: missense variant. On other transcripts: intron variant (5).
Genome position (GRCh38, 1-based): chr8:38,429,898, C>T on the plus strand (G>A on the coding strand, the complement: FGFR1 is on the minus strand). VCF-style: chr8-38429898-C-T. GRCh37 (hg19) VCF-style: chr8-38287416-C-T.
Other names: c.142G>A, p.Gly48Ser (NM_001174063.2, NM_001174065.2, NM_001354367.2 and 2 more transcripts); c.118G>A, p.Gly40Ser (NM_001174064.2); c.241G>A, p.Gly81Ser (NM_001174067.2); c.92-1463G>A (NM_001354368.2, NM_001354370.2, NM_023106.3 and 2 more transcripts); c.142G>A (NM_023110.2); short protein forms G48S, G40S, G81S.
Identifiers: ClinVar variation 16298 (VCV000016298.29), dbSNP rs121909640, ClinGen allele CA257479.

ClinVar aggregate classification (germline): Likely pathogenic. Review status: criteria provided, multiple submitters, no conflicts (2 of 4 stars). 5 submissions from 5 submitters: Likely pathogenic (3). 2 of the submissions do not count toward it. Last evaluated 2024-09-12.

Conditions:
FGFR1-related disorder. Also called: FGFR1-related condition; FGFR1-related disorders. Identifiers: MedGen CN380097.
Hypogonadotropic hypogonadism 2 with or without anosmia (HH2). Also called: HYPOGONADOTROPIC HYPOGONADISM 2 WITHOUT ANOSMIA; HYPOGONADOTROPIC HYPOGONADISM 2 WITH OR WITHOUT ANOSMIA, SUSCEPTIBILITY TO; HYPOGONADOTROPIC HYPOGONADISM 2 WITHOUT ANOSMIA, SUSCEPTIBILITY TO; FGFR1-Related GnRH Deficiency (Kallmann Syndrome 2). Identifiers: Orphanet 478, MedGen C1563720, MONDO:0007844, OMIM 147950. Disease mechanism: loss of function.

Allele frequency attached by ClinVar (database versions not stated): gnomAD exomes below 0.00001.
gnomAD v4.1: 2 of 1,613,784 alleles (0.00012%); highest among the groups gnomAD compares: Non-Finnish European, 0.00017%; no homozygotes.

Submissions (5):

GeneDx
Classification: Likely pathogenic. Last evaluated: 2024-09-12. Review status: criteria provided, single submitter. Criteria: GeneDx Variant Classification Process June 2021. Collection method: clinical testing. Allele origin: germline. Affected: yes.
Comment: Not observed at significant frequency in large population cohorts (gnomAD); In silico analysis supports that this missense variant has a deleterious effect on protein structure/function; In silico analysis suggests this variant may impact gene splicing. In the absence of RNA/functional studies, the actual effect of this sequence change is unknown.; This variant is associated with the following publications: (PMID: 18034870, 30024674, 21682876, 27896051, 23329143, 23880303, 35669683, 16882753, 24841555)

Blueprint Genetics
Classification: Likely pathogenic for FGFR1-related disorders. Last evaluated: 2023-12-15. Review status: criteria provided, single submitter. Criteria: ACMG Guidelines, 2015. Collection method: clinical testing. Allele origin: germline. Affected: yes. Observed: 1 variant allele.

CeGaT Center for Human Genetics Tuebingen
Classification: Likely pathogenic. Last evaluated: 2023-04-01. Review status: criteria provided, single submitter. Criteria: CeGaT Center For Human Genetics Tuebingen Variant Classification Criteria Version 2. Collection method: clinical testing. Allele origin: germline. Affected: yes. Observed: 1 variant allele.
Comment: FGFR1: PM2, PS4:Moderate, PM5:Supporting, PS3:Supporting

PreventionGenetics, part of Exact Sciences
Classification: Likely pathogenic for FGFR1-related condition. Last evaluated: 2024-08-02. Review status: no assertion criteria provided. Collection method: clinical testing. Allele origin: germline. Not counted in ClinVar's aggregate classification.
Comment: The FGFR1 c.142G>A variant is predicted to result in the amino acid substitution p.Gly48Ser. This variant has been reported in individuals with hypogonadotropic hypogonadism with or without anosmia (Trarbach et al. 2006. PubMed ID: 16882753; Laitinen et al. 2011. PubMed ID: 21682876; Hero M et al 2014. PubMed ID: 24841555 ). In vitro functional studies showed that this variant displayed impaired downstream signaling as assessed by MAPK phosphorylation (Laitinen et al. 2011. PubMed ID: 21682876). An alternate nucleotide change affecting the same amino acid (c.142G>C; p.Gly48Arg) has also been reported in an individual with hypogonadotropic hypogonadism (Xie et al. 2022. PubMed ID: 35729303). This variant has not been reported in a large population database, indicating this variant is rare. This variant is interpreted as likely pathogenic.

OMIM
Classification: Pathogenic for HYPOGONADOTROPIC HYPOGONADISM 2 WITHOUT ANOSMIA. Last evaluated: 2006-10-01. Review status: no assertion criteria provided. Collection method: literature only. Allele origin: germline. Not counted in ClinVar's aggregate classification.

Literature cited by the submitters: PubMed 16882753 (cited by OMIM).